The following is an entry in ClinVar:

NC_000010.10:g.(?_69918241)_(69919957_?)dup

Gene: MYPN (myopalladin; plus strand). Cytogenetic location: 10q21.3.
Variant type: Duplication.
Identifiers: ClinVar variation 2427046 (VCV002427046.4).

ClinVar aggregate classification (germline): Likely pathogenic (1 of 4 stars; one submission).

Conditions:
Dilated cardiomyopathy 1KK (CMD1KK). Identifiers: Orphanet 154, Orphanet 75249, MedGen C3714995, MONDO:0014100, OMIM 615248.

Submission:

Labcorp Genetics (formerly Invitae), Labcorp
Classification: Likely pathogenic for Dilated cardiomyopathy 1KK. Last evaluated: 2022-08-23. Review status: criteria provided, single submitter. Criteria: Invitae Variant Classification Sherloc (09022015). Collection method: clinical testing. Allele origin: germline.
Comment: This variant results in a copy number gain of the genomic region encompassing exon(s) 7 of the MYPN gene. While the exact position of this variant cannot be determined from the data, sub-genic copy number gains are generally in tandem (PMID: 25640679). This variant is predicted to be out-of-frame, and may result in an absent or disrupted protein product. Loss-of-function variants in MYPN are known to be pathogenic (PMID: 28017374). This variant has not been reported in the literature in individuals affected with MYPN-related conditions. In summary, the currently available evidence indicates that the variant is pathogenic, but additional data are needed to prove that conclusively. Therefore, this variant has been classified as Likely Pathogenic.

Literature cited by the submitters: PubMed 25640679; PubMed 28017374.